The following is an entry in ClinVar:

ClinVar aggregate classification (germline): Uncertain significance (1 of 4 stars; one submission).

Conditions:
Episodic ataxia type 2 (EA2). Also called: CEREBELLAR ATAXIA, PAROXYSMAL, ACETAZOLAMIDE-RESPONSIVE; CEREBELLOPATHY, HEREDITARY PAROXYSMAL; EPISODIC ATAXIA, NYSTAGMUS-ASSOCIATED; ACETAZOLAMIDE-RESPONSIVE HEREDITARY PAROXYSMAL CEREBELLAR ATAXIA; ATAXIA, EPISODIC, WITH NYSTAGMUS; ATAXIA, FAMILIAL PAROXYSMAL. Identifiers: Orphanet 97, MedGen C1720416, MONDO:0007163, OMIM 108500.
Developmental and epileptic encephalopathy, 42 (DEE42A). Also called: Epileptic encephalopathy, early infantile, 42; DEVELOPMENTAL AND EPILEPTIC ENCEPHALOPATHY 42A; EPILEPTIC ENCEPHALOPATHY, EARLY INFANTILE, 42A. Identifiers: MedGen C4310716, MONDO:0014917, OMIM 617106.

Allele frequency attached by ClinVar (database versions not stated): gnomAD exomes below 0.00001; TOPMed below 0.00001.
gnomAD v4.1: 2 of 1,530,062 alleles (0.00013%); highest among the groups gnomAD compares: African/African-American, 0.0027%; no homozygotes.

Submission:

Labcorp Genetics (formerly Invitae), Labcorp
Classification: Uncertain significance for Developmental and epileptic encephalopathy, 42; Episodic ataxia type 2. Last evaluated: 2023-05-16. Review status: criteria provided, single submitter. Criteria: Invitae Variant Classification Sherloc (09022015). Collection method: clinical testing. Allele origin: germline.
Comment: In summary, the available evidence is currently insufficient to determine the role of this variant in disease. Therefore, it has been classified as a Variant of Uncertain Significance. This variant has not been reported in the literature in individuals affected with CACNA1A-related conditions. The frequency data for this variant in the population databases is considered unreliable, as metrics indicate poor data quality at this position in the gnomAD database. This sequence change replaces glutamic acid, which is acidic and polar, with glycine, which is neutral and non-polar, at codon 267 of the CACNA1A protein (p.Glu267Gly). Advanced modeling of protein sequence and biophysical properties (such as structural, functional, and spatial information, amino acid conservation, physicochemical variation, residue mobility, and thermodynamic stability) has been performed at Invitae for this missense variant, however the output from this modeling did not meet the statistical confidence thresholds required to predict the impact of this variant on CACNA1A protein function.

NM_001127222.2(CACNA1A):c.800A>G (p.Glu267Gly)

Gene: CACNA1A (calcium voltage-gated channel subunit alpha1 A; minus strand). Cytogenetic location: 19p13.13.
Variant type: single nucleotide variant.
Coding change: c.800A>G on transcript NM_001127222.2 (MANE Select); coding-DNA position 800, A replaced by G.
Protein change: p.Glu267Gly; replaces glutamic acid 267 with glycine.
Molecular consequence: missense variant.
Genome position (GRCh38, 1-based): chr19:13,359,784, T>C on the plus strand (A>G on the coding strand, the complement: CACNA1A is on the minus strand). VCF-style: chr19-13359784-T-C. GRCh37 (hg19) VCF-style: chr19-13470598-T-C.
Other names: c.800A>G, p.Glu267Gly (NM_000068.4, NM_001127221.2, NM_001174080.2 and 1 more transcripts); short protein forms E267G.
Identifiers: ClinVar variation 2947821 (VCV002947821.3), dbSNP rs1243275369, ClinGen allele CA404347398.